The following is an entry in ClinVar:

NM_144997.7(FLCN):c.53C>T (p.Thr18Ile)

Gene: FLCN (folliculin; minus strand). Cytogenetic location: 17p11.2.
Variant type: single nucleotide variant.
Coding change: c.53C>T on transcript NM_144997.7 (MANE Select); coding-DNA position 53, C replaced by T.
Protein change: p.Thr18Ile; replaces threonine 18 with isoleucine.
Molecular consequence: missense variant.
Genome position (GRCh38, 1-based): chr17:17,228,085, G>A on the plus strand (C>T on the coding strand, the complement: FLCN is on the minus strand). VCF-style: chr17-17228085-G-A. GRCh37 (hg19) VCF-style: chr17-17131399-G-A.
Other names: c.53C>T, p.Thr18Ile (NM_001353229.2, NM_001353230.2, NM_001353231.2 and 1 more transcripts); short protein forms T18I.
Identifiers: ClinVar variation 968068 (VCV000968068.8), dbSNP rs2047314341, ClinGen allele CA398535424.

ClinVar aggregate classification (germline): Uncertain significance. Review status: criteria provided, multiple submitters, no conflicts (2 of 4 stars). 2 submissions from 2 submitters: Uncertain significance (2). Last evaluated 2024-01-23.

Conditions:
Birt-Hogg-Dube syndrome 1 (BHD1). Also called: FIBROFOLLICULOMAS WITH TRICHODISCOMAS AND ACROCHORDONS. Identifiers: Orphanet 122, MedGen CN375946, MONDO:0800445, OMIM 135150.
Birt-Hogg-Dube syndrome. Also called: Birt Hogg Dubé syndrome. Identifiers: Orphanet 122, MedGen C0346010, MONDO:0800444.

Submissions (2):

Baylor Genetics
Classification: Uncertain significance for Birt-Hogg-Dube syndrome 1. Last evaluated: 2024-01-23. Review status: criteria provided, single submitter. Criteria: ACMG Guidelines, 2015. Collection method: clinical testing. Allele origin: unknown.

Labcorp Genetics (formerly Invitae), Labcorp
Classification: Uncertain significance for Birt-Hogg-Dube syndrome. Last evaluated: 2019-10-02. Review status: criteria provided, single submitter. Criteria: Invitae Variant Classification Sherloc (09022015). Collection method: clinical testing. Allele origin: germline.
Comment: In summary, the available evidence is currently insufficient to determine the role of this variant in disease. Therefore, it has been classified as a Variant of Uncertain Significance. Algorithms developed to predict the effect of missense changes on protein structure and function (SIFT, PolyPhen-2, Align-GVGD) all suggest that this variant is likely to be tolerated, but these predictions have not been confirmed by published functional studies and their clinical significance is uncertain. This variant has not been reported in the literature in individuals with FLCN-related conditions. This variant is not present in population databases (ExAC no frequency). This sequence change replaces threonine with isoleucine at codon 18 of the FLCN protein (p.Thr18Ile). The threonine residue is moderately conserved and there is a moderate physicochemical difference between threonine and isoleucine.